The following is an entry in ClinVar:

ClinVar aggregate classification (germline): Likely benign (0 of 4 stars; one submission).

Conditions:
TNS2-related disorder. Also called: TNS2-related condition.

gnomAD v4.1: 2 of 1,457,194 alleles (0.00014%); highest among the groups gnomAD compares: Non-Finnish European, 0.00018%; no homozygotes.

Submission:

PreventionGenetics, part of Exact Sciences
Classification: Likely benign for TNS2-related condition. Last evaluated: 2019-03-25. Review status: no assertion criteria provided. Collection method: clinical testing. Allele origin: germline.
Comment: This variant is classified as likely benign based on ACMG/AMP sequence variant interpretation guidelines (Richards et al. 2015 PMID: 25741868, with internal and published modifications).

NM_170754.4(TNS2):c.1731C>T (p.His577=)

Gene: TNS2 (tensin 2; plus strand). Cytogenetic location: 12q13.13.
Variant type: single nucleotide variant.
Coding change: c.1731C>T on transcript NM_170754.4 (MANE Select); coding-DNA position 1731, C replaced by T.
Protein change: p.His577=; no amino-acid change (histidine 577 retained).
Molecular consequence: synonymous variant.
Genome position (GRCh38, 1-based): chr12:53,059,372, C>T. VCF-style: chr12-53059372-C-T. GRCh37 (hg19) VCF-style: chr12-53453156-C-T.
Other names: c.1731C>T, p.His577= (NM_001416202.1); c.1689C>T, p.His563= (NM_001416203.1); c.1758C>T, p.His586= (NM_001416204.1); c.1662C>T, p.His554= (NM_015319.3); c.1359C>T, p.His453= (NM_198316.2).
Identifiers: ClinVar variation 3058435 (VCV003058435.2), dbSNP rs1327547573, ClinGen allele CA480078780.